The following is an entry in ClinVar:

NM_020066.5(FMN2):c.2772_2837del (p.Gly930_Ala951del)

Gene: FMN2 (formin 2; plus strand). Cytogenetic location: 1q43.
Variant type: Deletion.
Coding change: c.2772_2837del on transcript NM_020066.5 (MANE Select); coding-DNA positions 2772 to 2837, 66 bases deleted.
Protein change: p.Gly930_Ala951del.
Molecular consequence: inframe deletion. On other transcripts: intron variant (1).
Genome position (GRCh38, 1-based): chr1:240,207,584-240,207,649, 66 bases deleted. GRCh37 (hg19): chr1:240,370,884-240,370,949.
Other names: c.2784_2849del, p.Gly934_Ala955del (NM_001305424.2); c.1986+19322_1986+19387del (NM_001348094.2).
Identifiers: ClinVar variation 3388737 (VCV003388737.14).

ClinVar aggregate classification (germline): Likely benign (1 of 4 stars; one submission).

Submission:

CeGaT Center for Human Genetics Tuebingen
Classification: Likely benign. Last evaluated: 2024-11-01. Review status: criteria provided, single submitter. Criteria: CeGaT Center For Human Genetics Tuebingen Variant Classification Criteria Version 2. Collection method: clinical testing. Allele origin: germline. Affected: yes. Observed: 1 variant allele.
Comment: FMN2: PM4, BS2